The following is an entry in ClinVar:

NM_000257.4(MYH7):c.3202G>A (p.Asp1068Asn)

Gene: MYH7 (myosin heavy chain 7; minus strand). Cytogenetic location: 14q11.2.
Variant type: single nucleotide variant.
Coding change: c.3202G>A on transcript NM_000257.4 (MANE Select); coding-DNA position 3202, G replaced by A.
Protein change: p.Asp1068Asn; replaces aspartic acid 1068 with asparagine.
Molecular consequence: missense variant.
Genome position (GRCh38, 1-based): chr14:23,422,223, C>T on the plus strand (G>A on the coding strand, the complement: MYH7 is on the minus strand). VCF-style: chr14-23422223-C-T. GRCh37 (hg19) VCF-style: chr14-23891432-C-T.
Other names: short protein forms D1068N.
Identifiers: ClinVar variation 1401530 (VCV001401530.8), dbSNP rs2138658795, ClinGen allele CA389045212.

ClinVar aggregate classification (germline): Uncertain significance. Review status: criteria provided, multiple submitters, no conflicts (2 of 4 stars). 2 submissions from 2 submitters: Uncertain significance (2). Last evaluated 2025-07-14.

Conditions:
Cardiomyopathy (CMYO). Also called: Cardiomyopathies. Identifiers: Orphanet 167848, MedGen C0878544, MONDO:0004994, HP:0001638. Inheritance: Various modes of inheritance.
Hypertrophic cardiomyopathy. Also called: HYPERTROPHIC MYOCARDIOPATHY. Identifiers: Orphanet 217569, MedGen C0007194, MeSH D002312, MONDO:0005045, HP:0001639.

Submissions (2):

Color Diagnostics, LLC DBA Color Health
Classification: Uncertain significance for Cardiomyopathy. Last evaluated: 2025-07-14. Review status: criteria provided, single submitter. Criteria: ACMG Guidelines, 2015. Collection method: clinical testing. Allele origin: germline.
Comment: This missense variant replaces aspartic acid with asparagine at codon 1068 of the MYH7 protein. Computational prediction is inconclusive regarding the impact of this variant on protein structure and function. To our knowledge, functional studies have not been reported for this variant. This variant has not been reported in individuals affected with MYH7-related disorders in the literature. This variant has not been identified in the general population by the Genome Aggregation Database (gnomAD). The available evidence is insufficient to determine the role of this variant in disease conclusively. Therefore, this variant is classified as a Variant of Uncertain Significance.

Labcorp Genetics (formerly Invitae), Labcorp
Classification: Uncertain significance for Hypertrophic cardiomyopathy. Last evaluated: 2024-07-27. Review status: criteria provided, single submitter. Criteria: Invitae Variant Classification Sherloc (09022015). Collection method: clinical testing. Allele origin: germline.
Comment: This sequence change replaces aspartic acid, which is acidic and polar, with asparagine, which is neutral and polar, at codon 1068 of the MYH7 protein (p.Asp1068Asn). This variant is not present in population databases (gnomAD no frequency). This variant has not been reported in the literature in individuals affected with MYH7-related conditions. ClinVar contains an entry for this variant (Variation ID: 1401530). Advanced modeling of protein sequence and biophysical properties (such as structural, functional, and spatial information, amino acid conservation, physicochemical variation, residue mobility, and thermodynamic stability) performed at Invitae indicates that this missense variant is expected to disrupt MYH7 protein function with a positive predictive value of 95%. In summary, the available evidence is currently insufficient to determine the role of this variant in disease. Therefore, it has been classified as a Variant of Uncertain Significance.